The following is an entry in ClinVar:

ClinVar aggregate classification (germline): Benign/Likely benign. Review status: criteria provided, multiple submitters, no conflicts (2 of 4 stars). 3 submissions from 3 submitters: Benign (2); Likely benign (1). Last evaluated 2023-03-01.

Allele frequency attached by ClinVar (database versions not stated): 1000 Genomes Project 30x 0.00078; 1000 Genomes Project 0.00100; TOPMed 0.00351; gnomAD 0.00387 and 0.00399; ESP Exome Variant Server 0.00431; gnomAD exomes 0.00440; ExAC 0.00475.
gnomAD v4.1: 9,187 of 1,614,132 alleles (0.57%); highest among the groups gnomAD compares: Non-Finnish European, 0.71%; 46 homozygotes.

Submissions (3):

CeGaT Center for Human Genetics Tuebingen
Classification: Likely benign. Last evaluated: 2023-03-01. Review status: criteria provided, single submitter. Criteria: CeGaT Center For Human Genetics Tuebingen Variant Classification Criteria Version 2. Collection method: clinical testing. Allele origin: germline. Affected: yes. Observed: 1 variant allele.
Comment: DAPK2: BP4, BS2

Labcorp Genetics (formerly Invitae), Labcorp
Classification: Benign. Last evaluated: 2018-07-23. Review status: criteria provided, single submitter. Criteria: Invitae Variant Classification Sherloc (09022015). Collection method: clinical testing. Allele origin: germline.

Breakthrough Genomics
Classification: Benign. Review status: criteria provided, single submitter. Criteria: ACMG Guidelines, 2015. Collection method: not provided. Allele origin: germline. Inheritance: Unknown mechanism. Affected: yes.

NM_014326.5(DAPK2):c.632+8G>T

Genes: DAPK2 (death associated protein kinase 2; minus strand), DAPK2-AS1 (DAPK2 antisense RNA 1; plus strand). Cytogenetic location: 15q22.31.
Variant type: single nucleotide variant.
Coding change: c.632+8G>T on transcript NM_014326.5 (MANE Select); 8 bases into the intron after coding-DNA position 632, G replaced by T.
Genome position (GRCh38, 1-based): chr15:63,930,399, C>A on the plus strand (G>T on the coding strand, the complement: DAPK2 is on the minus strand). VCF-style: chr15-63930399-C-A. GRCh37 (hg19) VCF-style: chr15-64222598-C-A.
Other names: c.632+8G>T (NM_001363730.2).
Identifiers: ClinVar variation 787680 (VCV000787680.28), dbSNP rs200278398, ClinGen allele CA7607083.
Genomic context (GRCh38, chr15:63,930,399, plus strand): 5'-GAGCAGGATCTGAGGCCTTCCGCCCTTGGAAGGATCGCTAGGTCACCTGAGTGGCCTATC[C>A]AACTTACCACATGTCAGCCTCCAGACCCAGGGGCTCGTAGTTCACAATTTCTGGAGCTGA-3'